The following is an entry in ClinVar:

NM_006208.3(ENPP1):c.125A>C (p.Asp42Ala)

Gene: ENPP1 (ectonucleotide pyrophosphatase/phosphodiesterase 1; plus strand). Cytogenetic location: 6q23.2.
Variant type: single nucleotide variant.
Coding change: c.125A>C on transcript NM_006208.3 (MANE Select); coding-DNA position 125, A replaced by C.
Protein change: p.Asp42Ala; replaces aspartic acid 42 with alanine.
Molecular consequence: missense variant.
Genome position (GRCh38, 1-based): chr6:131,808,160, A>C. VCF-style: chr6-131808160-A-C. GRCh37 (hg19) VCF-style: chr6-132129300-A-C.
Other names: short protein forms D42A.
Identifiers: ClinVar variation 2701566 (VCV002701566.3), dbSNP rs1781302843, ClinGen allele CA365661853.

ClinVar aggregate classification (germline): Uncertain significance (1 of 4 stars; one submission).

Submission:

Labcorp Genetics (formerly Invitae), Labcorp
Classification: Uncertain significance. Last evaluated: 2023-12-09. Review status: criteria provided, single submitter. Criteria: Invitae Variant Classification Sherloc (09022015). Collection method: clinical testing. Allele origin: germline.
Comment: This sequence change replaces aspartic acid, which is acidic and polar, with alanine, which is neutral and non-polar, at codon 42 of the ENPP1 protein (p.Asp42Ala). This variant is not present in population databases (gnomAD no frequency). This variant has not been reported in the literature in individuals affected with ENPP1-related conditions. An algorithm developed to predict the effect of missense changes on protein structure and function (PolyPhen-2) suggests that this variant is likely to be tolerated. In summary, the available evidence is currently insufficient to determine the role of this variant in disease. Therefore, it has been classified as a Variant of Uncertain Significance.